The following is an entry in ClinVar:

ClinVar aggregate classification (germline): Pathogenic (1 of 4 stars; one submission).

Submission:

Labcorp Genetics (formerly Invitae), Labcorp
Classification: Pathogenic. Last evaluated: 2024-04-10. Review status: criteria provided, single submitter. Criteria: Invitae Variant Classification Sherloc (09022015). Collection method: clinical testing. Allele origin: germline.
Comment: This sequence change creates a premature translational stop signal (p.Gln386*) in the FH gene. It is expected to result in an absent or disrupted protein product. Loss-of-function variants in FH are known to be pathogenic (PMID: 11865300, 21398687). This variant is not present in population databases (gnomAD no frequency). This variant has not been reported in the literature in individuals affected with FH-related conditions. For these reasons, this variant has been classified as Pathogenic.

Literature cited by the submitters: PubMed 11865300; PubMed 21398687.

NM_000143.4(FH):c.1156C>T (p.Gln386Ter)

Gene: FH (fumarate hydratase; minus strand). Cytogenetic location: 1q43.
Variant type: single nucleotide variant.
Coding change: c.1156C>T on transcript NM_000143.4 (MANE Select); coding-DNA position 1156, C replaced by T.
Protein change: p.Gln386Ter; replaces glutamine 386 with a stop codon.
Molecular consequence: nonsense.
Genome position (GRCh38, 1-based): chr1:241,502,523, G>A on the plus strand (C>T on the coding strand, the complement: FH is on the minus strand). VCF-style: chr1-241502523-G-A. GRCh37 (hg19) VCF-style: chr1-241665823-G-A.
Other names: short protein forms Q386*.
Identifiers: ClinVar variation 2767087 (VCV002767087.3), dbSNP rs2147914963, ClinGen allele CA345437491.